The following is an entry in ClinVar:

ClinVar aggregate classification (germline): Uncertain significance (1 of 4 stars; one submission).

Allele frequency attached by ClinVar (database versions not stated): TOPMed 0.00001.

Submission:

Labcorp Genetics (formerly Invitae), Labcorp
Classification: Uncertain significance. Last evaluated: 2020-11-14. Review status: criteria provided, single submitter. Criteria: Invitae Variant Classification Sherloc (09022015). Collection method: clinical testing. Allele origin: germline.
Comment: In summary, the available evidence is currently insufficient to determine the role of this variant in disease. Therefore, it has been classified as a Variant of Uncertain Significance. Algorithms developed to predict the effect of missense changes on protein structure and function are either unavailable or do not agree on the potential impact of this missense change (SIFT: "Tolerated"; PolyPhen-2: "Probably Damaging"; Align-GVGD: "Class C0"). This variant has not been reported in the literature in individuals with HSPG2-related conditions. This variant is not present in population databases (ExAC no frequency). This sequence change replaces proline with leucine at codon 3721 of the HSPG2 protein (p.Pro3721Leu). The proline residue is weakly conserved and there is a moderate physicochemical difference between proline and leucine.

NM_005529.7(HSPG2):c.11162C>T (p.Pro3721Leu)

Gene: HSPG2 (heparan sulfate proteoglycan 2; minus strand). Cytogenetic location: 1p36.12.
Variant type: single nucleotide variant.
Coding change: c.11162C>T on transcript NM_005529.7 (MANE Select); coding-DNA position 11162, C replaced by T.
Protein change: p.Pro3721Leu; replaces proline 3721 with leucine.
Molecular consequence: missense variant.
Genome position (GRCh38, 1-based): chr1:21,832,540, G>A on the plus strand (C>T on the coding strand, the complement: HSPG2 is on the minus strand). VCF-style: chr1-21832540-G-A. GRCh37 (hg19) VCF-style: chr1-22159033-G-A.
Other names: c.11165C>T, p.Pro3722Leu (NM_001291860.2); short protein forms P3722L, P3721L.
Identifiers: ClinVar variation 1499916 (VCV001499916.8), dbSNP rs2098009121, ClinGen allele CA338905726.